The following is an entry in ClinVar:

ClinVar aggregate classification (germline): Uncertain significance. Review status: criteria provided, multiple submitters, no conflicts (2 of 4 stars). 3 submissions from 3 submitters: Uncertain significance (3). Last evaluated 2026-06-08.

Conditions:
Pyridoxine-dependent epilepsy (EPEO4). Also called: Pyridoxine-Dependent Seizures; EPILEPSY, EARLY-ONSET, 4, VITAMIN B6-DEPENDENT; PYRIDOXINE DEPENDENCY WITH SEIZURES; Pyridoxine-Dependent Epilepsy - ALDH7A1. Identifiers: Orphanet 3006, MedGen C1849508, MONDO:0009945, OMIM 266100. Disease mechanism: loss of function.

Allele frequency attached by ClinVar (database versions not stated): gnomAD exomes below 0.00001 and 0.00001.
gnomAD v4.1: 7 of 1,614,116 alleles (0.00043%); highest among the groups gnomAD compares: Non-Finnish European, 0.000085%; no homozygotes.

Submissions (3):

Women's Health and Genetics/Laboratory Corporation of America, LabCorp
Classification: Uncertain significance. Last evaluated: 2026-06-08. Review status: criteria provided, single submitter. Criteria: LabCorp Variant Classification Summary - May 2015. Collection method: clinical testing. Allele origin: germline.
Comment: Variant summary: ALDH7A1 c.1466G>A (p.Gly489Glu) results in a non-conservative amino acid change located in the Aldehyde dehydrogenase domain (IPR015590) of the encoded protein sequence. Algorithms developed to predict the effect of missense changes on protein structure and function all suggest that this variant is likely to be disruptive. The variant allele was found at a frequency of 8e-06 in 251378 control chromosomes (gnomAD). The available data on variant occurrences in the general population are insufficient to allow any conclusion about variant significance. c.1466G>A has been reported in the literature in at least one compound heterozygous individual affected with Pyridoxine-Dependent Epilepsy (Coughlin_2019). These data do not allow any conclusion about variant significance. To our knowledge, no experimental evidence demonstrating an impact on protein function has been reported. The following publication has been ascertained in the context of this evaluation (PMID: 30043187). ClinVar contains an entry for this variant (Variation ID: 953400). Based on the evidence outlined above, the variant was classified as uncertain significance.

Labcorp Genetics (formerly Invitae), Labcorp
Classification: Uncertain significance for Pyridoxine-dependent epilepsy. Last evaluated: 2021-09-01. Review status: criteria provided, single submitter. Criteria: Invitae Variant Classification Sherloc (09022015). Collection method: clinical testing. Allele origin: germline.

Blueprint Genetics
Classification: Uncertain significance. Last evaluated: 2018-03-20. Review status: criteria provided, single submitter. Criteria: ACMG Guidelines, 2015. Collection method: clinical testing. Allele origin: germline.

Literature cited by the submitters: PubMed 30043187 (cited by Women's Health and Genetics/Laboratory Corporation of America, LabCorp).

NM_001182.5(ALDH7A1):c.1466G>A (p.Gly489Glu)

Gene: ALDH7A1 (aldehyde dehydrogenase 7 family member A1; minus strand). Cytogenetic location: 5q23.2.
Variant type: single nucleotide variant.
Coding change: c.1466G>A on transcript NM_001182.5 (MANE Select); coding-DNA position 1466, G replaced by A.
Protein change: p.Gly489Glu; replaces glycine 489 with glutamic acid.
Molecular consequence: missense variant.
Genome position (GRCh38, 1-based): chr5:126,549,952, C>T on the plus strand (G>A on the coding strand, the complement: ALDH7A1 is on the minus strand). VCF-style: chr5-126549952-C-T. GRCh37 (hg19) VCF-style: chr5-125885644-C-T.
Other names: c.1382G>A, p.Gly461Glu (NM_001201377.2); c.1274G>A, p.Gly425Glu (NM_001202404.2); short protein forms G461E, G489E, G425E.
Identifiers: ClinVar variation 953400 (VCV000953400.8), dbSNP rs1423535503, ClinGen allele CA360720944.
Genomic context (GRCh38, chr5:126,549,952, plus strand): 5'-GCCCAACATGGAAAAGGAGAAATGATTCTCTACGTACCAAAGGCACCTCCAATCTCAGCC[C>T]CACTTGTTGGAATGTTGACATTTACAATGCCACAGTCTGATCCTTTAGGTCTGTGTAAAA-3'
Protein context (NP_001173.2, residues 479-499): GIVNVNIPTS[Gly489Glu]AEIGGAFGGE